The following is an entry in ClinVar:

ClinVar aggregate classification (germline): Uncertain significance. Review status: criteria provided, multiple submitters, no conflicts (2 of 4 stars). 3 submissions from 3 submitters: Uncertain significance (2). 1 of the submissions does not count toward it. Last evaluated 2026-06-15.

Conditions:
Cystic fibrosis (CF). Also called: MUCOVISCIDOSIS. Identifiers: Orphanet 586, MedGen C0010674, MONDO:0009061, OMIM 219700. Disease mechanism: loss of function.
CFTR-related disorder (CFTR-RD). Also called: CFTR-related disorders; CFTR-related condition. Identifiers: MedGen C5924204, MONDO:7770004.

Allele frequency attached by ClinVar (database versions not stated): gnomAD exomes below 0.00001.
gnomAD v4.1: 1 of 1,613,414 alleles (0.000062%); highest among the groups gnomAD compares: South Asian, 0.0011%; no homozygotes.

Submissions (3):

Ambry Genetics
Classification: Uncertain significance for Cystic fibrosis. Last evaluated: 2026-06-15. Review status: criteria provided, single submitter. Criteria: Ambry Variant Classification Scheme 2023. Collection method: clinical testing. Allele origin: germline.

Women's Health and Genetics/Laboratory Corporation of America, LabCorp
Classification: Uncertain significance. Last evaluated: 2023-02-09. Review status: criteria provided, single submitter. Criteria: LabCorp Variant Classification Summary - May 2015. Collection method: clinical testing. Allele origin: germline.

PreventionGenetics, part of Exact Sciences
Classification: Uncertain significance for CFTR-related condition. Last evaluated: 2024-07-10. Review status: no assertion criteria provided. Collection method: clinical testing. Allele origin: germline. Not counted in ClinVar's aggregate classification.
Comment: The CFTR c.3862G>A variant is predicted to result in the amino acid substitution p.Val1288Met. To our knowledge, this variant has not been reported in the literature or in a large population database, indicating this variant is rare. At this time, the clinical significance of this variant is uncertain due to the absence of conclusive functional and genetic evidence.

NM_000492.4(CFTR):c.3862G>A (p.Val1288Met)

Genes: CFTR (CF transmembrane conductance regulator; plus strand), CFTR-AS2 (CFTR antisense RNA 2; minus strand). Cytogenetic location: 7q31.2.
Variant type: single nucleotide variant.
Coding change: c.3862G>A on transcript NM_000492.4 (MANE Select); coding-DNA position 3862, G replaced by A.
Protein change: p.Val1288Met; replaces valine 1288 with methionine.
Molecular consequence: missense variant.
Genome position (GRCh38, 1-based): chr7:117,642,582, G>A. VCF-style: chr7-117642582-G-A. GRCh37 (hg19) VCF-style: chr7-117282636-G-A.
Other names: short protein forms V1288M.
Identifiers: ClinVar variation 2445758 (VCV002445758.5), dbSNP rs2485160172, ClinGen allele CA368975583.